The following is an entry in ClinVar:

NM_000344.4(SMN1):c.827A>G (p.Tyr276Cys)

Gene: SMN1 (survival of motor neuron 1, telomeric). Cytogenetic location: 5q13.2.
Variant type: single nucleotide variant.
Coding change: c.827A>G on transcript NM_000344.4 (MANE Select); coding-DNA position 827, A replaced by G.
Protein change: p.Tyr276Cys; replaces tyrosine 276 with cysteine.
Molecular consequence: missense variant.
Genome position (GRCh38, 1-based): chr5:70,946,169, A>G. VCF-style: chr5-70946169-A-G. GRCh37 (hg19) VCF-style: chr5-70241996-A-G.
Other names: c.827A>G, p.Tyr276Cys (NM_001297715.1); c.731A>G, p.Tyr244Cys (NM_022874.2); short protein forms Y244C, Y276C.
Identifiers: ClinVar variation 3239716 (VCV003239716.1), dbSNP rs2532126706.

ClinVar aggregate classification (germline): Pathogenic (1 of 4 stars; one submission).

Conditions:
Werdnig-Hoffmann disease (SMA1). Also called: MUSCULAR ATROPHY, INFANTILE; SMA I; SMA, INFANTILE ACUTE FORM; HMN (Hereditary Motor Neuropathy) Proximal Type I. Identifiers: Orphanet 83330, MedGen C5848259, MONDO:0009669, OMIM 253300. Disease mechanism: loss of function.

Submission:

DNA-diagnostics Laboratory, Research Centre For Medical Genetics
Classification: Pathogenic for Werdnig-Hoffmann disease. Last evaluated: 2024-06-04. Review status: criteria provided, single submitter. Criteria: ACMG Guidelines, 2015. Collection method: clinical testing. Allele origin: maternal. Inheritance: Autosomal recessive inheritance. Affected: yes.
Comment: The p.Tyr276Cys variant in the SMN1 gene fulfils the ACMG criteria: PM2, PP3, PP2, PM3